The following is an entry in ClinVar:

NM_001379500.1(COL18A1):c.2928C>T (p.Pro976=)

Genes: COL18A1 (collagen type XVIII alpha 1 chain; plus strand), SLC19A1 (solute carrier family 19 member 1; minus strand). Cytogenetic location: 21q22.3.
Variant type: single nucleotide variant.
Coding change: c.2928C>T on transcript NM_001379500.1 (MANE Select); coding-DNA position 2928, C replaced by T.
Protein change: p.Pro976=; no amino-acid change (proline 976 retained).
Molecular consequence: synonymous variant.
Genome position (GRCh38, 1-based): chr21:45,505,193, C>T. VCF-style: chr21-45505193-C-T. GRCh37 (hg19) VCF-style: chr21-46925107-C-T.
Other names: c.3459C>T, p.Pro1153= (NM_030582.4); c.4164C>T, p.Pro1388= (NM_130444.3); c.3459C>T (NM_030582.3).
Identifiers: ClinVar variation 1531702 (VCV001531702.11), dbSNP rs368077149, ClinGen allele CA10067558.
Genomic context (GRCh38, chr21:45,505,193, plus strand): 5'-GGGTCCCAAGGGAGAGAGCATCCGGGGCCAGCCCGGCCCACCTGGACCTCAGGGACCCCC[C>T]GGCATCGGCTACGAGGGGCGCCAGGGCCCTCCCGGCCCCCCAGGCCCCCCAGGGCCCCCT-3'
Protein context (NP_001366429.1, residues 966-986): QPGPPGPQGP[Pro976=]GIGYEGRQGP

ClinVar aggregate classification (germline): Likely benign. Review status: criteria provided, multiple submitters, no conflicts (2 of 4 stars). 4 submissions from 4 submitters: Likely benign (4). Last evaluated 2025-12-16.

Conditions:
COL18A1-related disorder. Also called: COL18A1-related condition; COL18A1-related disorders.

Allele frequency attached by ClinVar (database versions not stated): ExAC 0.00004; gnomAD exomes 0.00005 and 0.00006; ESP Exome Variant Server 0.00009; gnomAD 0.00013 and 0.00014; TOPMed 0.00017.
gnomAD v4.1: 104 of 1,604,410 alleles (0.0065%); highest among the groups gnomAD compares: Middle Eastern, 0.05%; no homozygotes.

Submissions (4):

PreventionGenetics, part of Exact Sciences
Classification: Likely benign for COL18A1-related condition. Last evaluated: 2025-12-16. Review status: criteria provided, single submitter. Criteria: ACMG Guidelines, 2015. Collection method: clinical testing. Allele origin: germline.
Comment: This variant is classified as likely benign based on ACMG/AMP sequence variant interpretation guidelines (Richards et al. 2015 PMID: 25741868, with internal and published modifications).

Labcorp Genetics (formerly Invitae), Labcorp
Classification: Likely benign. Last evaluated: 2025-10-18. Review status: criteria provided, single submitter. Criteria: Invitae Variant Classification Sherloc (09022015). Collection method: clinical testing. Allele origin: germline.

Blueprint Genetics
Classification: Likely benign. Last evaluated: 2024-11-13. Review status: criteria provided, single submitter. Criteria: ACMG Guidelines, 2015. Collection method: clinical testing. Allele origin: germline.

Breakthrough Genomics
Classification: Likely benign. Review status: criteria provided, single submitter. Criteria: ACMG Guidelines, 2015. Collection method: not provided. Allele origin: germline. Inheritance: Autosomal recessive inheritance. Affected: yes.